The following is an entry in ClinVar:

NM_000091.5(COL4A3):c.3920G>A (p.Gly1307Asp)

Genes: COL4A3 (collagen type IV alpha 3 chain; plus strand), MFF-DT (MFF divergent transcript; minus strand). Cytogenetic location: 2q36.3.
Variant type: single nucleotide variant.
Coding change: c.3920G>A on transcript NM_000091.5 (MANE Select); coding-DNA position 3920, G replaced by A.
Protein change: p.Gly1307Asp; replaces glycine 1307 with aspartic acid.
Molecular consequence: missense variant.
Genome position (GRCh38, 1-based): chr2:227,303,075, G>A. VCF-style: chr2-227303075-G-A. GRCh37 (hg19) VCF-style: chr2-228167791-G-A.
Other names: short protein forms G1307D.
Identifiers: ClinVar variation 3359052 (VCV003359052.2).

ClinVar aggregate classification (germline): Likely pathogenic (1 of 4 stars; one submission).

Conditions:
Autosomal dominant Alport syndrome (ATS3A). Also called: ALPORT SYNDROME 3A, AUTOSOMAL DOMINANT; Alport syndrome dominant type; Renal failure and sensorineural hearing loss. Identifiers: Orphanet 63, Orphanet 88918, MedGen C5882663, MONDO:0007086, OMIM 104200.

gnomAD v4.1: 1 of 1,613,998 alleles (0.000062%); highest among the groups gnomAD compares: South Asian, 0.0011%; no homozygotes.

Submission:

Institute of Human Genetics, University of Leipzig Medical Center
Classification: Likely pathogenic for Autosomal dominant Alport syndrome. Last evaluated: 2024-08-12. Review status: criteria provided, single submitter. Criteria: ACMG Guidelines, 2015. Collection method: clinical testing. Allele origin: unknown. Inheritance: Autosomal dominant inheritance. Affected: yes.
Comment: Criteria applied: PM1_STR,PM2_SUP,PP3